The following is an entry in ClinVar:

ClinVar aggregate classification (germline): Likely benign. Review status: criteria provided, multiple submitters, no conflicts (2 of 4 stars). 6 submissions from 6 submitters: Likely benign (6). Last evaluated 2026-09-01.

Conditions:
Hereditary cancer-predisposing syndrome. Also called: Hereditary neoplastic syndrome; Neoplastic Syndromes, Hereditary; Hereditary Cancer Syndrome; Tumor predisposition. Identifiers: Orphanet 140162, MedGen C0027672, MeSH D009386, MONDO:0015356.

Submissions (6):

CeGaT Center for Human Genetics Tuebingen
Classification: Likely benign. Last evaluated: 2026-09-01. Review status: criteria provided, single submitter. Criteria: CeGaT Center For Human Genetics Tuebingen Variant Classification Criteria Version 2. Collection method: clinical testing. Allele origin: germline. Affected: yes. Observed: 3 variant alleles.
Comment: NF1: BP4

Women's Health and Genetics/Laboratory Corporation of America, LabCorp
Classification: Likely benign. Last evaluated: 2026-04-28. Review status: criteria provided, single submitter. Criteria: LabCorp Variant Classification Summary - May 2015. Collection method: clinical testing. Allele origin: germline.
Comment: Variant summary: NF1 c.7127-15_7127-8delGTTTGTTT alters a nucleotide located at a position not widely known to affect splicing. The variant allele was found at a frequency of 0.00014 in 154686 control chromosomes. This frequency is not significantly higher than estimated for disease-causing variants in NF1, allowing no conclusion about variant significance. To our knowledge, no occurrence of c.7127-15_7127-8delGTTTGTTT in individuals affected with NF1-related conditions and no experimental evidence demonstrating its impact on protein function have been reported. ClinVar contains an entry for this variant (Variation ID: 422181). Based on the evidence outlined above, the variant was classified as likely benign.

Blueprint Genetics
Classification: Likely benign. Last evaluated: 2024-11-19. Review status: criteria provided, single submitter. Criteria: ACMG Guidelines, 2015. Collection method: clinical testing. Allele origin: germline.

Sema4
Classification: Likely benign for Hereditary cancer-predisposing syndrome. Last evaluated: 2021-03-11. Review status: criteria provided, single submitter. Criteria: Sema4 Curation Guidelines. Collection method: curation. Allele origin: germline.

PreventionGenetics, part of Exact Sciences
Classification: Likely benign. Last evaluated: 2017-12-12. Review status: criteria provided, single submitter. Criteria: ACMG Guidelines, 2015. Collection method: clinical testing. Allele origin: germline.

GeneDx
Classification: Likely benign. Last evaluated: 2017-11-14. Review status: criteria provided, single submitter. Criteria: GeneDx Variant Classification (06012015). Collection method: clinical testing. Allele origin: germline. Affected: yes.
Comment: This variant is considered likely benign or benign based on one or more of the following criteria: it is a conservative change, it occurs at a poorly conserved position in the protein, it is predicted to be benign by multiple in silico algorithms, and/or has population frequency not consistent with disease.

NM_001042492.3(NF1):c.7190-33TTGT[4]

Gene: NF1 (neurofibromin 1; plus strand). Cytogenetic location: 17q11.2.
Variant type: Microsatellite.
Coding change: c.7190-33TTGT[4] on transcript NM_001042492.3 (MANE Select); four copies in a row of the 4-base unit TTGT starting at c.7190-33.
Molecular consequence: intron variant.
Genome position: GRCh38 VCF-style: chr17-31349086-CTTGTTTGT-C. GRCh37 (hg19) VCF-style: chr17-29676104-CTTGTTTGT-C.
Other names: c.7127-15_7127-8delGTTTGTTT (NM_000267.3); c.7127-33_7127-26delTTGTTTGT (NM_000267.3); c.7127-33TTGT[4] (NM_000267.4).
Identifiers: ClinVar variation 422181 (VCV000422181.15), dbSNP rs149197458, ClinGen allele CA8487520.